The following is an entry in ClinVar:

ClinVar aggregate classification (germline): Conflicting classifications of pathogenicity. Review status: criteria provided, conflicting classifications (1 of 4 stars). 3 submissions from 2 submitters: Uncertain significance (1); Likely benign (2). Last evaluated 2026-09-01.

Conditions:
Familial hypobetalipoproteinemia 1. Also called: APOB-Related Familial Hypobetalipoproteinemia; Hypobetalipoproteinemia, normotriglyceridemic; Acanthocytosis with hypobetalipoproteinemia. Identifiers: MedGen C4551990, MONDO:0014252, OMIM 615558.
Hypercholesterolemia, autosomal dominant, type B (FHCL2). Also called: Hyperlipoproteinemia Type IIb; Familial hypercholesterolemia 2; APOB-Related Familial Hypercholesterolemia, Autosomal Dominant; HYPERCHOLESTEROLEMIA, FAMILIAL, DUE TO LIGAND-DEFECTIVE APOLIPOPROTEIN B; Familial Hypercholesterolemia Type B; APOLIPOPROTEIN B-100, FAMILIAL DEFECTIVE. Identifiers: MedGen C1704417, MONDO:0007751, OMIM 144010.

Allele frequency attached by ClinVar (database versions not stated): gnomAD 0.00443; gnomAD exomes 0.00476; 1000 Genomes Project 30x 0.00187; 1000 Genomes Project 0.00220; TOPMed 0.00269.
gnomAD v4.1: 2,717 of 603,896 alleles (0.45%); highest among the groups gnomAD compares: Middle Eastern, 0.79%; 15 homozygotes.

Submissions (3):

CeGaT Center for Human Genetics Tuebingen
Classification: Likely benign. Last evaluated: 2026-09-01. Review status: criteria provided, single submitter. Criteria: CeGaT Center For Human Genetics Tuebingen Variant Classification Criteria Version 2. Collection method: clinical testing. Allele origin: germline. Affected: yes. Observed: 21 variant alleles.
Comment: APOB: BS2

Illumina Laboratory Services, Illumina
Classification: Uncertain significance for Familial hypobetalipoproteinemia 1. Last evaluated: 2018-01-12. Review status: criteria provided, single submitter. Criteria: ICSL Variant Classification Criteria 13 December 2019. Collection method: clinical testing. Allele origin: germline.

Illumina Laboratory Services, Illumina
Classification: Likely benign for Hypercholesterolemia, autosomal dominant, type B. Last evaluated: 2018-01-12. Review status: criteria provided, single submitter. Criteria: ICSL Variant Classification Criteria 13 December 2019. Collection method: clinical testing. Allele origin: germline.
Comment: This variant was observed in the ICSL laboratory as part of a predisposition screen in an ostensibly healthy population. It had not been previously curated by ICSL or reported in the Human Gene Mutation Database (HGMD: prior to June 1st, 2018), and was therefore a candidate for classification through an automated scoring system. Utilizing variant allele frequency, disease prevalence and penetrance estimates, and inheritance mode, an automated score was calculated to assess if this variant is too frequent to cause the disease. Based on the score and internal cut-off values, a variant classified as likely benign is not then subjected to further curation. The score for this variant resulted in a classification of likely benign for this disease.

NM_000384.3(APOB):c.*179C>T

Genes: APOB (apolipoprotein B; minus strand), APOB3'MAR (APOB 3' scaffold/matrix attachment region; plus strand). Cytogenetic location: 2p24.1.
Variant type: single nucleotide variant.
Coding change: c.*179C>T on transcript NM_000384.3 (MANE Select); 179 bases downstream of the stop codon, C replaced by T.
Molecular consequence: 3 prime UTR variant.
Genome position (GRCh38, 1-based): chr2:21,001,551, G>A on the plus strand (C>T on the coding strand, the complement: APOB is on the minus strand). VCF-style: chr2-21001551-G-A. GRCh37 (hg19) VCF-style: chr2-21224423-G-A.
Identifiers: ClinVar variation 334060 (VCV000334060.34), dbSNP rs142151703, ClinGen allele CA10612282.
Genomic context (GRCh38, chr2:21,001,551, plus strand): 5'-CAGATCCTGATTTTCTTTAACTTGCAAAAAATGCCATCCTTCTGAGTTCAGAGACCTTCC[G>A]AGCCCTGGTGCCAGCTTTGGTGCAGGTCCAGTTCATATGTGCTTCTGCTTATAGTCTACT-3'